The following is an entry in ClinVar:

NM_019844.4(SLCO1B3):c.1214T>C (p.Val405Ala)

Genes: SLCO1B3 (solute carrier organic anion transporter family member 1B3; plus strand), SLCO1B3-SLCO1B7 (SLCO1B3-SLCO1B7 readthrough; plus strand). Cytogenetic location: 12p12.2.
Variant type: single nucleotide variant.
Coding change: c.1214T>C on transcript NM_019844.4 (MANE Select); coding-DNA position 1214, T replaced by C.
Protein change: p.Val405Ala; replaces valine 405 with alanine.
Molecular consequence: missense variant.
Genome position (GRCh38, 1-based): chr12:20,879,514, T>C. VCF-style: chr12-20879514-T-C. GRCh37 (hg19) VCF-style: chr12-21032448-T-C.
Other names: c.1214T>C, p.Val405Ala (NM_001371097.1); c.1130T>C, p.Val377Ala (NM_001349920.2); short protein forms V377A, V405A.
Identifiers: ClinVar variation 4987038 (VCV004987038.1).
Genomic context (GRCh38, chr12:20,879,514, plus strand): 5'-CGGTTGCAACTGGAATGTTTTTAGGAGGATTTATCATTAAAAAATTCAAATTGTCTTTAG[T>C]TGGAATTGCCAAATTTTCATTTCTTACTTCGATGATATCCTTCTTGTTTCAACTTCTATA-3'
Protein context (NP_062818.1, residues 395-415): FIIKKFKLSL[Val405Ala]GIAKFSFLTS

ClinVar aggregate classification (germline): Uncertain significance (1 of 4 stars; one submission).

Conditions:
SLCO1B3-related disorder. Also called: SLCO1B3-related condition.

gnomAD v4.1: 13 of 1,611,542 alleles (0.00081%); highest among the groups gnomAD compares: Non-Finnish European, 0.0011%; no homozygotes.

Submission:

PreventionGenetics, part of Exact Sciences
Classification: Uncertain significance for SLCO1B3-related condition. Last evaluated: 2025-11-04. Review status: criteria provided, single submitter. Criteria: ACMG Guidelines, 2015. Collection method: clinical testing. Allele origin: germline.
Comment: The SLCO1B3 c.1214T>C variant is predicted to result in the amino acid substitution p.Val405Ala. To our knowledge, this variant has not been reported in the literature. This variant is reported in 0.0026% of alleles in individuals of European (Non-Finnish) descent in gnomAD. At this time, the clinical significance of this variant is uncertain due to the absence of conclusive functional and genetic evidence.